The following is an entry in ClinVar:

NM_006017.3(PROM1):c.91G>C (p.Ala31Pro)

Gene: PROM1 (prominin 1; minus strand). Cytogenetic location: 4p15.32.
Variant type: single nucleotide variant.
Coding change: c.91G>C on transcript NM_006017.3 (MANE Select); coding-DNA position 91, G replaced by C.
Protein change: p.Ala31Pro; replaces alanine 31 with proline.
Molecular consequence: missense variant.
Genome position (GRCh38, 1-based): chr4:16,075,816, C>G on the plus strand (G>C on the coding strand, the complement: PROM1 is on the minus strand). VCF-style: chr4-16075816-C-G. GRCh37 (hg19) VCF-style: chr4-16077439-C-G.
Other names: c.91G>C, p.Ala31Pro (NM_001145847.2, NM_001145848.2, NM_001145849.2 and 6 more transcripts); short protein forms A31P.
Identifiers: ClinVar variation 2158542 (VCV002158542.1), dbSNP rs1743841094, ClinGen allele CA356438115.

ClinVar aggregate classification (germline): Uncertain significance (1 of 4 stars; one submission).

gnomAD v4.1: 3 of 1,613,764 alleles (0.00019%); highest among the groups gnomAD compares: Admixed American, 0.005%; no homozygotes.

Submission:

Labcorp Genetics (formerly Invitae), Labcorp
Classification: Uncertain significance. Last evaluated: 2022-08-29. Review status: criteria provided, single submitter. Criteria: Invitae Variant Classification Sherloc (09022015). Collection method: clinical testing. Allele origin: germline.
Comment: This sequence change replaces alanine, which is neutral and non-polar, with proline, which is neutral and non-polar, at codon 31 of the PROM1 protein (p.Ala31Pro). This variant is not present in population databases (gnomAD no frequency). This variant has not been reported in the literature in individuals affected with PROM1-related conditions. Algorithms developed to predict the effect of missense changes on protein structure and function are either unavailable or do not agree on the potential impact of this missense change (SIFT: "Tolerated"; PolyPhen-2: "Possibly Damaging"; Align-GVGD: "Class C0"). In summary, the available evidence is currently insufficient to determine the role of this variant in disease. Therefore, it has been classified as a Variant of Uncertain Significance.